The following is an entry in ClinVar:

NM_139057.4(ADAMTS17):c.2984G>A (p.Arg995Gln)

Gene: ADAMTS17 (ADAM metallopeptidase with thrombospondin type 1 motif 17; minus strand). Cytogenetic location: 15q26.3.
Variant type: single nucleotide variant.
Coding change: c.2984G>A on transcript NM_139057.4 (MANE Select); coding-DNA position 2984, G replaced by A.
Protein change: p.Arg995Gln; replaces arginine 995 with glutamine.
Molecular consequence: missense variant.
Genome position (GRCh38, 1-based): chr15:99,976,188, C>T on the plus strand (G>A on the coding strand, the complement: ADAMTS17 is on the minus strand). VCF-style: chr15-99976188-C-T. GRCh37 (hg19) VCF-style: chr15-100516393-C-T.
Other names: NC_000015.9:g.100516393C>T; short protein forms R995Q.
Identifiers: ClinVar variation 1210285 (VCV001210285.5), dbSNP rs1289240183, ClinGen allele CA393692857.

ClinVar aggregate classification (germline): Uncertain significance. Review status: criteria provided, single submitter (1 of 4 stars). 2 submissions from 2 submitters: Uncertain significance (1). 1 of the submissions does not count toward it. Last evaluated 2020-05-20.

Conditions:
Weill-Marchesani 4 syndrome, recessive. Also called: Weill-Marchesani syndrome 4. Identifiers: Orphanet 363992, MedGen C2750787, MONDO:0013176, OMIM 613195.

Allele frequency attached by ClinVar (database versions not stated): gnomAD 0.00001; gnomAD exomes 0.00001; TOPMed 0.00001.
gnomAD v4.1: 23 of 1,549,080 alleles (0.0015%); highest among the groups gnomAD compares: Non-Finnish European, 0.0017%; no homozygotes.

Submissions (3):

Blueprint Genetics
Classification: Uncertain significance. Last evaluated: 2020-05-20. Review status: criteria provided, single submitter. Criteria: ACMG Guidelines, 2015. Collection method: clinical testing. Allele origin: germline.

Research Laboratory of Ophthalmology and Vision Sciences, West China Hospital, Sichuan University
Classification: Likely pathogenic for Weill-Marchesani 4 syndrome, recessive. Last evaluated: 2021-08-03. Review status: no assertion criteria provided. Collection method: clinical testing. Allele origin: paternal, unknown. Inheritance: Autosomal recessive inheritance. Affected: yes and no. Observed: 2 variant alleles, 1 heterozygote, 1 compound heterozygote. Not counted in ClinVar's aggregate classification.
Comment: The c.2984G>A (p.R995Q) variant in ADAMTS17 was identified in a Chinese family with autosomal recessive Weill-Marchesani syndrome, which was compound heterozygous with the c.2254A>G variant and segregated in this family of five individuals. The c.2984G>A variant was reported in dbSNP (rs1289240183) with a frequency of 0.00007 in the European population and 0.00000 in Asia. In addition, the amino acid site is highly conserved in various animals, and the variant was suggested to be damaging in some in silico prediction programs. Thus, we consider this variant as likely pathogenic.

Dr. Peter K. Rogan Lab, Western University
No classification provided (evidence only). Condition: Ovarian serous cystadenocarcinoma. Review status: no classification provided. Collection method: in vitro. Allele origin: not applicable. Functional consequence: retained intron. Not counted in ClinVar's aggregate classification.